The following is an entry in ClinVar:

NM_005477.3(HCN4):c.3322T>G (p.Ser1108Ala)

Gene: HCN4 (hyperpolarization activated cyclic nucleotide gated potassium channel 4; minus strand). Cytogenetic location: 15q24.1.
Variant type: single nucleotide variant.
Coding change: c.3322T>G on transcript NM_005477.3 (MANE Select); coding-DNA position 3322, T replaced by G.
Protein change: p.Ser1108Ala; replaces serine 1108 with alanine.
Molecular consequence: missense variant.
Genome position (GRCh38, 1-based): chr15:73,322,771, A>C on the plus strand (T>G on the coding strand, the complement: HCN4 is on the minus strand). VCF-style: chr15-73322771-A-C. GRCh37 (hg19) VCF-style: chr15-73615112-A-C.
Other names: short protein forms S1108A.
Identifiers: ClinVar variation 1730220 (VCV001730220.5), dbSNP rs2549067983, ClinGen allele CA393085620.

ClinVar aggregate classification (germline): Uncertain significance. Review status: criteria provided, multiple submitters, no conflicts (2 of 4 stars). 2 submissions from 2 submitters: Uncertain significance (2). Last evaluated 2024-09-30.

Conditions:
Brugada syndrome 8 (BRGDA8). Identifiers: Orphanet 130, MedGen C2751083, MONDO:0013148, OMIM 613123.
Cardiovascular phenotype. Identifiers: MedGen CN230736.

Allele frequency attached by ClinVar (database versions not stated): gnomAD exomes below 0.00001.

Submissions (2):

Labcorp Genetics (formerly Invitae), Labcorp
Classification: Uncertain significance for Brugada syndrome 8. Last evaluated: 2024-09-30. Review status: criteria provided, single submitter. Criteria: Invitae Variant Classification Sherloc (09022015). Collection method: clinical testing. Allele origin: germline.
Comment: This sequence change replaces serine, which is neutral and polar, with alanine, which is neutral and non-polar, at codon 1108 of the HCN4 protein (p.Ser1108Ala). This variant is not present in population databases (gnomAD no frequency). This variant has not been reported in the literature in individuals affected with HCN4-related conditions. ClinVar contains an entry for this variant (Variation ID: 1730220). Invitae Evidence Modeling of protein sequence and biophysical properties (such as structural, functional, and spatial information, amino acid conservation, physicochemical variation, residue mobility, and thermodynamic stability) indicates that this missense variant is not expected to disrupt HCN4 protein function with a negative predictive value of 95%. In summary, the available evidence is currently insufficient to determine the role of this variant in disease. Therefore, it has been classified as a Variant of Uncertain Significance.

Ambry Genetics
Classification: Uncertain significance for Cardiovascular phenotype. Last evaluated: 2020-08-19. Review status: criteria provided, single submitter. Criteria: Ambry Variant Classification Scheme 2023. Collection method: clinical testing. Allele origin: germline.
Comment: The p.S1108A variant (also known as c.3322T>G), located in coding exon 8 of the HCN4 gene, results from a T to G substitution at nucleotide position 3322. The serine at codon 1108 is replaced by alanine, an amino acid with similar properties. This amino acid position is not well conserved in available vertebrate species. In addition, the in silico prediction for this alteration is inconclusive. Since supporting evidence is limited at this time, the clinical significance of this alteration remains unclear.